The following is an entry in ClinVar:

ClinVar aggregate classification (germline): Uncertain significance (1 of 4 stars; one submission).

Conditions:
Hereditary cancer-predisposing syndrome. Also called: Neoplastic Syndromes, Hereditary; Tumor predisposition; Hereditary neoplastic syndrome; Hereditary Cancer Syndrome. Identifiers: Orphanet 140162, MedGen C0027672, MeSH D009386, MONDO:0015356.

Submission:

Ambry Genetics
Classification: Uncertain significance for Hereditary cancer-predisposing syndrome. Last evaluated: 2026-07-02. Review status: criteria provided, single submitter. Criteria: Ambry Variant Classification Scheme 2023. Collection method: clinical testing. Allele origin: germline.
Comment: The p.V33M variant (also known as c.97G>A), located in coding exon 1 of the FH gene, results from a G to A substitution at nucleotide position 97. The valine at codon 33 is replaced by methionine, an amino acid with highly similar properties. This amino acid position is conserved. In addition, this alteration is predicted to be tolerated by in silico analysis. Based on the available evidence, the clinical significance of this variant remains unclear.

NM_000143.4(FH):c.97G>A (p.Val33Met)

Gene: FH (fumarate hydratase; minus strand). Cytogenetic location: 1q43.
Variant type: single nucleotide variant.
Coding change: c.97G>A on transcript NM_000143.4 (MANE Select); coding-DNA position 97, G replaced by A.
Protein change: p.Val33Met; replaces valine 33 with methionine.
Molecular consequence: missense variant.
Genome position (GRCh38, 1-based): chr1:241,519,626, C>T on the plus strand (G>A on the coding strand, the complement: FH is on the minus strand). VCF-style: chr1-241519626-C-T. GRCh37 (hg19) VCF-style: chr1-241682926-C-T.
Other names: short protein forms V33M.
Identifiers: ClinVar variation 5021698 (VCV005021698.1).